The following is an entry in ClinVar:

NM_032888.4(COL27A1):c.1491T>A (p.Ser497=)

Gene: COL27A1 (collagen type XXVII alpha 1 chain; plus strand). Cytogenetic location: 9q32.
Variant type: single nucleotide variant.
Coding change: c.1491T>A on transcript NM_032888.4 (MANE Select); coding-DNA position 1491, T replaced by A.
Protein change: p.Ser497=; no amino-acid change (serine 497 retained).
Molecular consequence: synonymous variant.
Genome position (GRCh38, 1-based): chr9:114,169,046, T>A. VCF-style: chr9-114169046-T-A. GRCh37 (hg19) VCF-style: chr9-116931326-T-A.
Identifiers: ClinVar variation 2659441 (VCV002659441.24), dbSNP rs781645561, ClinGen allele CA5201393.
Genomic context (GRCh38, chr9:114,169,046, plus strand): 5'-CACCCACAAACCTCCCCCATTTACTGCTTTATCCTCATCTCCTGCCCCTACTCCTGGTTC[T>A]ACCAGGAGTACTCGGCCACCAGCCACGATGGTACCTCCAACTTCGGGCACCAGCACTCCC-3'
Protein context (NP_116277.2, residues 487-507): LSSSPAPTPG[Ser497=]TRSTRPPATM

ClinVar aggregate classification (germline): Likely benign (1 of 4 stars; one submission).

gnomAD v4.1: 1 of 1,614,008 alleles (0.000062%); no homozygotes.

Submission:

CeGaT Center for Human Genetics Tuebingen
Classification: Likely benign. Last evaluated: 2023-10-01. Review status: criteria provided, single submitter. Criteria: CeGaT Center For Human Genetics Tuebingen Variant Classification Criteria Version 2. Collection method: clinical testing. Allele origin: germline. Affected: yes. Observed: 1 variant allele.
Comment: COL27A1: BP4, BP7